The following is an entry in ClinVar:

ClinVar aggregate classification (germline): Pathogenic (1 of 4 stars; one submission).

Conditions:
Polycystic kidney disease 4 (PKD4). Also called: PKD3; Autosomal Recessive Polycystic Kidney Disease – PKHD1; POLYCYSTIC KIDNEY AND HEPATIC DISEASE 1; POLYCYSTIC KIDNEY DISEASE, INFANTILE, TYPE I; POLYCYSTIC KIDNEY DISEASE 4 WITH OR WITHOUT POLYCYSTIC LIVER DISEASE. Identifiers: MedGen C4540575, MONDO:0033004, OMIM 263200.

Submission:

Myriad Genetics, Inc.
Classification: Pathogenic for Polycystic kidney disease 4. Last evaluated: 2026-03-02. Review status: criteria provided, single submitter. Criteria: Myriad Autosomal Dominant, Autosomal Recessive and X-Linked Classification Criteria (2023). Collection method: clinical testing. Allele origin: unknown.
Comment: NM_138694.3(PKHD1):c.5936delG(G1979Dfs*54) is expected to be pathogenic in the context of autosomal recessive polycystic kidney disease, PKHD1-related. This variant is predicted to lead to an abnormal or absent protein product due to the creation of a premature termination codon in PKHD1, a gene where loss-of-function variants are known to be pathogenic. Please note: this variant was assessed in the context of healthy population screening.

NM_138694.4(PKHD1):c.5936del (p.Gly1979fs)

Gene: PKHD1 (PKHD1 ciliary IPT domain containing fibrocystin/polyductin; minus strand). Cytogenetic location: 6p12.2.
Variant type: Deletion.
Coding change: c.5936del on transcript NM_138694.4 (MANE Select); coding-DNA position 5936, one base deleted (G; older notation c.5936delG).
Protein change: p.Gly1979fs; shifts the reading frame from glycine 1979.
Molecular consequence: frameshift variant.
Genome position (GRCh38, 1-based): chr6:51,934,295, C deleted on the plus strand (G on the coding strand, the reverse complement: PKHD1 is on the minus strand); the first of 2 consecutive C bases (chr6:51,934,295-51,934,296); deleting either gives the same sequence. VCF-style (leftmost placement, unchanged base first): chr6-51934294-TC-T. GRCh37 (hg19) VCF-style: chr6-51799092-TC-T.
Other names: c.5936del, p.Gly1979fs (NM_170724.3); short protein forms G1979fs.
Identifiers: ClinVar variation 5015628 (VCV005015628.1).